The following is an entry in ClinVar:

ClinVar aggregate classification (germline): Uncertain significance. Review status: criteria provided, multiple submitters, no conflicts (2 of 4 stars). 2 submissions from 2 submitters: Uncertain significance (2). Last evaluated 2020-03-11.

Allele frequency attached by ClinVar (database versions not stated): TOPMed below 0.00001; ExAC 0.00001; gnomAD exomes 0.00001.
gnomAD v4.1: 10 of 1,611,310 alleles (0.00062%); highest among the groups gnomAD compares: African/African-American, 0.0027%; no homozygotes.

Submissions (2):

Mayo Clinic Laboratories, Mayo Clinic
Classification: Uncertain significance. Last evaluated: 2020-03-11. Review status: criteria provided, single submitter. Criteria: ACMG Guidelines, 2015. Collection method: clinical testing. Allele origin: germline. Observed: 1 variant allele.

GeneDx
Classification: Uncertain significance. Last evaluated: 2016-01-08. Review status: criteria provided, single submitter. Criteria: GeneDx Variant Classification (06012015). Collection method: clinical testing. Allele origin: germline. Affected: yes.
Comment: The R184H variant has not been published as a pathogenic variant, nor has it been reported as a benign variant to our knowledge. It was not observed in approximately 6,500 individuals of European and African American ancestry in the NHLBI Exome Sequencing Project, indicating it is not a common benign variant in these populations. The R184H variant is a conservative amino acid substitution, which is not likely to impact secondary protein structure as these residues share similar properties. This substitution occurs at a position that is conserved in mammals; however, Histidine is observed at this position in evolution. In silico analysis predicts the R184H variant is probably damaging to the protein structure/function. Based on the currently available information, it is unclear whether this variant is a pathogenic variant or a rare benign variant.

NM_020631.6(PLEKHG5):c.551G>A (p.Arg184His)

Gene: PLEKHG5 (pleckstrin homology and RhoGEF domain containing G5; minus strand). Cytogenetic location: 1p36.31.
Variant type: single nucleotide variant.
Coding change: c.551G>A on transcript NM_020631.6 (MANE Select); coding-DNA position 551, G replaced by A.
Protein change: p.Arg184His; replaces arginine 184 with histidine.
Molecular consequence: missense variant.
Genome position (GRCh38, 1-based): chr1:6,474,053, C>T on the plus strand (G>A on the coding strand, the complement: PLEKHG5 is on the minus strand). VCF-style: chr1-6474053-C-T. GRCh37 (hg19) VCF-style: chr1-6534113-C-T.
Other names: c.662G>A, p.Arg221His (NM_001042663.3, NM_001265592.2); c.551G>A, p.Arg184His (NM_001042664.2, NM_001042665.2, NM_001265594.3 and 1 more transcripts); c.758G>A, p.Arg253His (NM_001265593.2); short protein forms R184H, R261H, R253H, R221H.
Identifiers: ClinVar variation 246293 (VCV000246293.7), dbSNP rs750080171, ClinGen allele CA561812.